The following is an entry in ClinVar:

NM_021008.4(DEAF1):c.553C>T (p.Gln185Ter)

Gene: DEAF1 (DEAF1 transcription factor; minus strand). Cytogenetic location: 11p15.5.
Variant type: single nucleotide variant.
Coding change: c.553C>T on transcript NM_021008.4 (MANE Select); coding-DNA position 553, C replaced by T.
Protein change: p.Gln185Ter; replaces glutamine 185 with a stop codon.
Molecular consequence: nonsense. On other transcripts: 5 prime UTR variant (1).
Genome position (GRCh38, 1-based): chr11:688,022, G>A on the plus strand (C>T on the coding strand, the complement: DEAF1 is on the minus strand). VCF-style: chr11-688022-G-A. GRCh37 (hg19) VCF-style: chr11-688022-G-A.
Other names: c.553C>T, p.Gln185Ter (NM_001293634.2); c.-174C>T (NM_001367390.1); short protein forms Q185*.
Identifiers: ClinVar variation 1324219 (VCV001324219.9), dbSNP rs1860672898, ClinGen allele CA378934145.

ClinVar aggregate classification (germline): Pathogenic/Likely pathogenic. Review status: criteria provided, multiple submitters, no conflicts (2 of 4 stars). 3 submissions from 3 submitters: Pathogenic (1); Likely pathogenic (2). Last evaluated 2025-01-27.

Allele frequency attached by ClinVar (database versions not stated): TOPMed below 0.00001; gnomAD 0.00001.
gnomAD v4.1: 1 of 1,613,842 alleles (0.000062%); highest among the groups gnomAD compares: Admixed American, 0.0017%; no homozygotes.

Submissions (3):

Labcorp Genetics (formerly Invitae), Labcorp
Classification: Pathogenic. Last evaluated: 2025-01-27. Review status: criteria provided, single submitter. Criteria: Invitae Variant Classification Sherloc (09022015). Collection method: clinical testing. Allele origin: germline.
Comment: This sequence change creates a premature translational stop signal (p.Gln185*) in the DEAF1 gene. It is expected to result in an absent or disrupted protein product. Loss-of-function variants in DEAF1 are known to be pathogenic (PMID: 30923367). This variant is not present in population databases (gnomAD no frequency). This variant has not been reported in the literature in individuals affected with DEAF1-related conditions. ClinVar contains an entry for this variant (Variation ID: 1324219). For these reasons, this variant has been classified as Pathogenic.

GeneDx
Classification: Likely pathogenic. Last evaluated: 2022-10-15. Review status: criteria provided, single submitter. Criteria: GeneDx Variant Classification Process June 2021. Collection method: clinical testing. Allele origin: germline. Affected: yes.
Comment: Nonsense variant predicted to result in protein truncation or nonsense mediated decay in a gene for which loss-of-function is a known mechanism of disease; Not observed at significant frequency in large population cohorts (gnomAD); Has not been previously published as pathogenic or benign to our knowledge

Revvity Omics, Revvity
Classification: Likely pathogenic. Last evaluated: 2021-05-12. Review status: criteria provided, single submitter. Criteria: ACMG Guidelines, 2015. Collection method: clinical testing. Allele origin: germline.

Literature cited by the submitters: PubMed 30923367 (cited by Labcorp Genetics (formerly Invitae), Labcorp).